The following is an entry in ClinVar:

ClinVar aggregate classification (germline): Likely pathogenic (1 of 4 stars; one submission).

Submission:

GeneDx
Classification: Likely pathogenic. Last evaluated: 2026-03-04. Review status: criteria provided, single submitter. Criteria: GeneDx Variant Classification Process June 2021. Collection method: clinical testing. Allele origin: germline.
Comment: Reported in a patient with type A aortic dissection in published literature (PMID: 34047934); Occurs in the triple helical domain and replaces the glycine in the canonical Gly-X-Y repeat; missense substitution of a canonical glycine residue is expected to disrupt normal protein folding and function, and this is an established mechanism of disease (HGMD); Not observed at significant frequency in large population cohorts (gnomAD); In silico analysis supports that this missense variant has a deleterious effect on protein structure/function; This variant is associated with the following publications: (PMID: 34047934)

NM_000090.4(COL3A1):c.2662G>T (p.Gly888Cys)

Gene: COL3A1 (collagen type III alpha 1 chain; plus strand). Cytogenetic location: 2q32.2.
Variant type: single nucleotide variant.
Coding change: c.2662G>T on transcript NM_000090.4 (MANE Select); coding-DNA position 2662, G replaced by T.
Protein change: p.Gly888Cys; replaces glycine 888 with cysteine.
Molecular consequence: missense variant.
Genome position (GRCh38, 1-based): chr2:189,003,982, G>T. VCF-style: chr2-189003982-G-T. GRCh37 (hg19) VCF-style: chr2-189868708-G-T.
Other names: short protein forms G888C.
Identifiers: ClinVar variation 4891509 (VCV004891509.1).